The following is an entry in ClinVar:

ClinVar aggregate classification (germline): Pathogenic (1 of 4 stars; one submission).

gnomAD v4.1: 13 of 1,611,326 alleles (0.00081%); highest among the groups gnomAD compares: African/African-American, 0.0013%; no homozygotes.

Submission:

Labcorp Genetics (formerly Invitae), Labcorp
Classification: Pathogenic. Last evaluated: 2024-07-03. Review status: criteria provided, single submitter. Criteria: Invitae Variant Classification Sherloc (09022015). Collection method: clinical testing. Allele origin: germline.
Comment: This sequence change creates a premature translational stop signal (p.Gln238*) in the PRUNE1 gene. It is expected to result in an absent or disrupted protein product. Loss-of-function variants in PRUNE1 are known to be pathogenic (PMID: 26539891, 29797509). This variant is not present in population databases (gnomAD no frequency). This variant has not been reported in the literature in individuals affected with PRUNE1-related conditions. For these reasons, this variant has been classified as Pathogenic.

Literature cited by the submitters: PubMed 26539891; PubMed 29797509.

NM_021222.3(PRUNE1):c.712C>T (p.Gln238Ter)

Gene: PRUNE1 (prune exopolyphosphatase 1; plus strand). Cytogenetic location: 1q21.3.
Variant type: single nucleotide variant.
Coding change: c.712C>T on transcript NM_021222.3 (MANE Select); coding-DNA position 712, C replaced by T.
Protein change: p.Gln238Ter; replaces glutamine 238 with a stop codon.
Molecular consequence: nonsense. On other transcripts: non-coding transcript variant (4).
Genome position (GRCh38, 1-based): chr1:151,027,265, C>T. VCF-style: chr1-151027265-C-T. GRCh37 (hg19) VCF-style: chr1-150999741-C-T.
Other names: c.166C>T, p.Gln56Ter (NM_001303229.2); c.712C>T, p.Gln238Ter (NM_001303242.2); c.109C>T, p.Gln37Ter (NM_001303243.2); short protein forms Q238*, Q37*, Q56*.
Identifiers: ClinVar variation 3685892 (VCV003685892.2).